The following is an entry in ClinVar:

ClinVar aggregate classification (germline): Uncertain significance (1 of 4 stars; one submission).

Conditions:
X-linked severe combined immunodeficiency (SCIDX1). Also called: X-Linked Combined Immunodeficiency Diseases; IMMUNODEFICIENCY 4; SCID, X-LINKED; SEVERE COMBINED IMMUNODEFICIENCY, X-LINKED, T CELL-NEGATIVE, B CELL-POSITIVE, NK CELL-NEGATIVE; T-B+ severe combined immunodeficiency due to gamma chain deficiency. Identifiers: Orphanet 276, MedGen C6022468, MONDO:0010315, OMIM 300400. Disease mechanism: loss of function.

Allele frequency attached by ClinVar (database versions not stated): gnomAD exomes 0.00001.
gnomAD v4.1: 9 of 1,205,429 alleles (0.00075%); highest among the groups gnomAD compares: Non-Finnish European, 0.001%; no homozygotes.

Submission:

Labcorp Genetics (formerly Invitae), Labcorp
Classification: Uncertain significance for X-linked severe combined immunodeficiency. Last evaluated: 2025-04-08. Review status: criteria provided, single submitter. Criteria: Invitae Variant Classification Sherloc (09022015). Collection method: clinical testing. Allele origin: germline.
Comment: This sequence change replaces serine, which is neutral and polar, with arginine, which is basic and polar, at codon 51 of the IL2RG protein (p.Ser51Arg). This variant is not present in population databases (gnomAD no frequency). This variant has not been reported in the literature in individuals affected with IL2RG-related conditions. ClinVar contains an entry for this variant (Variation ID: 2868525). Invitae Evidence Modeling of protein sequence and biophysical properties (such as structural, functional, and spatial information, amino acid conservation, physicochemical variation, residue mobility, and thermodynamic stability) indicates that this missense variant is not expected to disrupt IL2RG protein function with a negative predictive value of 95%. In summary, the available evidence is currently insufficient to determine the role of this variant in disease. Therefore, it has been classified as a Variant of Uncertain Significance.

NM_000206.3(IL2RG):c.153T>A (p.Ser51Arg)

Gene: IL2RG (interleukin 2 receptor subunit gamma; minus strand). Cytogenetic location: Xq13.1.
Variant type: single nucleotide variant.
Coding change: c.153T>A on transcript NM_000206.3 (MANE Select); coding-DNA position 153, T replaced by A.
Protein change: p.Ser51Arg; replaces serine 51 with arginine.
Molecular consequence: missense variant.
Genome position (GRCh38, 1-based): chrX:71,111,013, A>T on the plus strand (T>A on the coding strand, the complement: IL2RG is on the minus strand). VCF-style: chrX-71111013-A-T. GRCh37 (hg19) VCF-style: chrX-70330863-A-T.
Other names: short protein forms S51R.
Identifiers: ClinVar variation 2868525 (VCV002868525.2), dbSNP rs2519648029, ClinGen allele CA413497226.